The following is an entry in ClinVar:

ClinVar aggregate classification (germline): Uncertain significance (1 of 4 stars; one submission).

Conditions:
Hereditary cancer-predisposing syndrome. Also called: Neoplastic Syndromes, Hereditary; Tumor predisposition; Hereditary Cancer Syndrome; Hereditary neoplastic syndrome. Identifiers: Orphanet 140162, MedGen C0027672, MeSH D009386, MONDO:0015356.

Submission:

Ambry Genetics
Classification: Uncertain significance for Hereditary cancer-predisposing syndrome. Last evaluated: 2026-06-05. Review status: criteria provided, single submitter. Criteria: Ambry Variant Classification Scheme 2023. Collection method: clinical testing. Allele origin: germline.
Comment: The p.C430Y variant (also known as c.1289G>A), located in coding exon 9 of the STK11 gene, results from a G to A substitution at nucleotide position 1289. The cysteine at codon 430 is replaced by tyrosine, an amino acid with highly dissimilar properties. This amino acid position is conserved. In addition, the in silico prediction for this alteration is inconclusive. Based on the available evidence, the clinical significance of this variant remains unclear.

NM_000455.5(STK11):c.1289G>A (p.Cys430Tyr)

Gene: STK11 (serine/threonine kinase 11; plus strand). Cytogenetic location: 19p13.3.
Variant type: single nucleotide variant.
Coding change: c.1289G>A on transcript NM_000455.5 (MANE Select); coding-DNA position 1289, G replaced by A.
Protein change: p.Cys430Tyr; replaces cysteine 430 with tyrosine.
Molecular consequence: missense variant. On other transcripts: non-coding transcript variant (1).
Genome position (GRCh38, 1-based): chr19:1,226,634, G>A. VCF-style: chr19-1226634-G-A. GRCh37 (hg19) VCF-style: chr19-1226633-G-A.
Other names: short protein forms C430Y.
Identifiers: ClinVar variation 4865193 (VCV004865193.1).